The following is an entry in ClinVar:

NM_001876.4(CPT1A):c.2084A>G (p.Glu695Gly)

Gene: CPT1A (carnitine palmitoyltransferase 1A; minus strand). Cytogenetic location: 11q13.3.
Variant type: single nucleotide variant.
Coding change: c.2084A>G on transcript NM_001876.4 (MANE Select); coding-DNA position 2084, A replaced by G.
Protein change: p.Glu695Gly; replaces glutamic acid 695 with glycine.
Molecular consequence: missense variant.
Genome position (GRCh38, 1-based): chr11:68,760,283, T>C on the plus strand (A>G on the coding strand, the complement: CPT1A is on the minus strand). VCF-style: chr11-68760283-T-C. GRCh37 (hg19) VCF-style: chr11-68527751-T-C.
Other names: c.2084A>G, p.Glu695Gly (NM_001031847.3); short protein forms E695G.
Identifiers: ClinVar variation 1514839 (VCV001514839.5), dbSNP rs1264713147, ClinGen allele CA381625869.

ClinVar aggregate classification (germline): Uncertain significance (1 of 4 stars; one submission).

Conditions:
Carnitine palmitoyl transferase 1A deficiency. Also called: Carnitine palmitoyltransferase 1A deficiency; Carnitine palmitoyltransferase type I deficiency; CPT I DEFICIENCY; CPT DEFICIENCY, HEPATIC, TYPE I; CPT deficiency, hepatic, type IA. Identifiers: Orphanet 156, MedGen C1829703, MONDO:0009705, OMIM 255120.

gnomAD v4.1: 1 of 1,612,956 alleles (0.000062%); highest among the groups gnomAD compares: African/African-American, 0.0013%; no homozygotes.

Submission:

Labcorp Genetics (formerly Invitae), Labcorp
Classification: Uncertain significance for Carnitine palmitoyl transferase 1A deficiency. Last evaluated: 2021-09-01. Review status: criteria provided, single submitter. Criteria: Invitae Variant Classification Sherloc (09022015). Collection method: clinical testing. Allele origin: germline.
Comment: This sequence change replaces glutamic acid with glycine at codon 695 of the CPT1A protein (p.Glu695Gly). The glutamic acid residue is moderately conserved and there is a moderate physicochemical difference between glutamic acid and glycine. This variant is not present in population databases (ExAC no frequency). This variant has not been reported in the literature in individuals affected with CPT1A-related conditions. Algorithms developed to predict the effect of missense changes on protein structure and function (SIFT, PolyPhen-2, Align-GVGD) all suggest that this variant is likely to be tolerated. In summary, the available evidence is currently insufficient to determine the role of this variant in disease. Therefore, it has been classified as a Variant of Uncertain Significance.